The following is an entry in ClinVar:

NM_001165963.4(SCN1A):c.476dup (p.Tyr159Ter)

Gene: SCN1A (sodium voltage-gated channel alpha subunit 1; minus strand). Cytogenetic location: 2q24.3.
Variant type: Duplication.
Coding change: c.476dup on transcript NM_001165963.4 (MANE Select); coding-DNA position 476, one base duplicated (A; older notation c.476dupA).
Protein change: p.Tyr159Ter; replaces tyrosine 159 with a stop codon.
Molecular consequence: nonsense. On other transcripts: 5 prime UTR variant (1), non-coding transcript variant (1).
Genome position (GRCh38, 1-based): chr2:166,054,764, T duplicated on the plus strand (A on the coding strand, the reverse complement: SCN1A is on the minus strand). VCF-style (leftmost placement, unchanged base first): chr2-166054763-G-GT. GRCh37 (hg19) VCF-style: chr2-166911273-G-GT.
Other names: c.476dup, p.Tyr159Ter (NM_001353949.2, NM_001353950.2, NM_001353951.2 and 10 more transcripts); c.-1950dup (NM_001353961.2); short protein forms Y159*.
Identifiers: ClinVar variation 3646557 (VCV003646557.2).
Genomic context (GRCh38, chr2:166,054,763, plus strand): 5'-ACAGAATCCCCTTGCAATAATTTTTATAAGTGATTCAAAAGTATATATTCCTGTGAAGGT[G>GT]TATCTGAAAACAAGCATCCAAAAAATTTGATAAAGTAACAGTGTTTTTTCATAGCATACC-3'

ClinVar aggregate classification (germline): Pathogenic (1 of 4 stars; one submission).

Conditions:
Early-infantile DEE. Also called: Early infantile epileptic encephalopathy; Ohtahara syndrome; Early infantile epileptic encephalopathy with suppression bursts. Identifiers: Orphanet 1934, MedGen C0393706, MONDO:0800491.

Submission:

Labcorp Genetics (formerly Invitae), Labcorp
Classification: Pathogenic for Early-infantile DEE. Last evaluated: 2024-03-18. Review status: criteria provided, single submitter. Criteria: Invitae Variant Classification Sherloc (09022015). Collection method: clinical testing. Allele origin: germline.
Comment: This sequence change creates a premature translational stop signal (p.Tyr159*) in the SCN1A gene. It is expected to result in an absent or disrupted protein product. Loss-of-function variants in SCN1A are known to be pathogenic (PMID: 17347258, 18930999). This variant is not present in population databases (gnomAD no frequency). This variant has not been reported in the literature in individuals affected with SCN1A-related conditions. For these reasons, this variant has been classified as Pathogenic.

Literature cited by the submitters: PubMed 17347258; PubMed 18930999.